The following is an entry in ClinVar:

NM_002160.4(TNC):c.2491G>A (p.Asp831Asn)

Gene: TNC (tenascin C; minus strand). Cytogenetic location: 9q33.1.
Variant type: single nucleotide variant.
Coding change: c.2491G>A on transcript NM_002160.4 (MANE Select); coding-DNA position 2491, G replaced by A.
Protein change: p.Asp831Asn; replaces aspartic acid 831 with asparagine.
Molecular consequence: missense variant.
Genome position (GRCh38, 1-based): chr9:115,078,126, C>T on the plus strand (G>A on the coding strand, the complement: TNC is on the minus strand). VCF-style: chr9-115078126-C-T. GRCh37 (hg19) VCF-style: chr9-117840405-C-T.
Other names: short protein forms D831N.
Identifiers: ClinVar variation 425456 (VCV000425456.47), dbSNP rs199896561, ClinGen allele CA5208509.

ClinVar aggregate classification (germline): Conflicting classifications of pathogenicity. Review status: criteria provided, conflicting classifications (1 of 4 stars). 3 submissions from 3 submitters: Uncertain significance (2); Likely benign (1). Last evaluated 2026-03-11.

Conditions:
Hearing impairment. Also called: Impaired Hearing. Identifiers: MedGen C1384666, MONDO:0005365, HP:0000365.
TNC-related disorder. Also called: TNC-related condition.

Allele frequency attached by ClinVar (database versions not stated): gnomAD exomes 0.00003 and 0.00014; gnomAD 0.00004 and 0.00005; ESP Exome Variant Server 0.00008; TOPMed 0.00014; ExAC 0.00016; 1000 Genomes Project 30x 0.00031; 1000 Genomes Project 0.00040.
gnomAD v4.1: 54 of 1,614,156 alleles (0.0033%); highest among the groups gnomAD compares: East Asian, 0.065%; no homozygotes.

Submissions (3):

PreventionGenetics, part of Exact Sciences
Classification: Likely benign for TNC-related condition. Last evaluated: 2026-03-11. Review status: criteria provided, single submitter. Criteria: ACMG Guidelines, 2015. Collection method: clinical testing. Allele origin: germline.
Comment: This variant is classified as likely benign based on ACMG/AMP sequence variant interpretation guidelines (Richards et al. 2015 PMID: 25741868, with internal and published modifications).

Department of Otolaryngology – Head & Neck Surgery, Cochlear Implant Center
Classification: Uncertain significance for Hearing impairment. Last evaluated: 2021-04-12. Review status: criteria provided, single submitter. Criteria: ClinGen HL ACMG Specifications v1. Collection method: clinical testing. Allele origin: germline. Affected: yes.
Comment: PP3_Supporting, BS2_Strong

CeGaT Center for Human Genetics Tuebingen
Classification: Uncertain significance. Last evaluated: 2017-04-01. Review status: criteria provided, single submitter. Criteria: CeGaT Center For Human Genetics Tuebingen Variant Classification Criteria Version 2. Collection method: clinical testing. Allele origin: germline. Affected: yes. Observed: 1 variant allele.